The following is an entry in ClinVar:

NM_031471.6(FERMT3):c.644G>T (p.Arg215Leu)

Gene: FERMT3 (FERM domain containing kindlin 3; plus strand). Cytogenetic location: 11q13.1.
Variant type: single nucleotide variant.
Coding change: c.644G>T on transcript NM_031471.6 (MANE Select); coding-DNA position 644, G replaced by T.
Protein change: p.Arg215Leu; replaces arginine 215 with leucine.
Molecular consequence: missense variant.
Genome position (GRCh38, 1-based): chr11:64,211,404, G>T. VCF-style: chr11-64211404-G-T. GRCh37 (hg19) VCF-style: chr11-63978876-G-T.
Other names: c.644G>T, p.Arg215Leu (NM_001382361.1, NM_001382362.1, NM_001382448.1 and 1 more transcripts); c.104G>T, p.Arg35Leu (NM_001382363.1, NM_001382364.1); short protein forms R35L, R215L.
Identifiers: ClinVar variation 1415371 (VCV001415371.6), dbSNP rs542357552, ClinGen allele CA6068833.

ClinVar aggregate classification (germline): Uncertain significance (1 of 4 stars; one submission).

Conditions:
Leukocyte adhesion deficiency 3. Also called: INTEGRIN ACTIVATION DEFICIENCY DISEASE; LEUKOCYTE ADHESION DEFICIENCY 1 VARIANT; Leukocyte adhesion deficiency, type III. Identifiers: Orphanet 2968, Orphanet 99844, MedGen C2748536, MONDO:0013016, OMIM 612840.

gnomAD v4.1: 5 of 1,603,264 alleles (0.00031%); highest among the groups gnomAD compares: Admixed American, 0.0051%; no homozygotes.

Submission:

Labcorp Genetics (formerly Invitae), Labcorp
Classification: Uncertain significance for Leukocyte adhesion deficiency 3. Last evaluated: 2022-02-04. Review status: criteria provided, single submitter. Criteria: Invitae Variant Classification Sherloc (09022015). Collection method: clinical testing. Allele origin: germline.
Comment: In summary, the available evidence is currently insufficient to determine the role of this variant in disease. Therefore, it has been classified as a Variant of Uncertain Significance. Algorithms developed to predict the effect of missense changes on protein structure and function are either unavailable or do not agree on the potential impact of this missense change (SIFT: "Deleterious"; PolyPhen-2: "Possibly Damaging"; Align-GVGD: "Class C0"). This variant has not been reported in the literature in individuals affected with FERMT3-related conditions. The frequency data for this variant in the population databases is considered unreliable, as metrics indicate poor data quality at this position in the gnomAD database. This sequence change replaces arginine, which is basic and polar, with leucine, which is neutral and non-polar, at codon 215 of the FERMT3 protein (p.Arg215Leu).